The following is an entry in ClinVar:

NM_001165963.4(SCN1A):c.2278G>T (p.Val760Phe)

Gene: SCN1A (sodium voltage-gated channel alpha subunit 1; minus strand). Cytogenetic location: 2q24.3.
Variant type: single nucleotide variant.
Coding change: c.2278G>T on transcript NM_001165963.4 (MANE Select); coding-DNA position 2278, G replaced by T.
Protein change: p.Val760Phe; replaces valine 760 with phenylalanine.
Molecular consequence: missense variant. On other transcripts: 5 prime UTR variant (1), non-coding transcript variant (1).
Genome position (GRCh38, 1-based): chr2:166,041,368, C>A on the plus strand (G>T on the coding strand, the complement: SCN1A is on the minus strand). VCF-style: chr2-166041368-C-A. GRCh37 (hg19) VCF-style: chr2-166897878-C-A.
Other names: c.2194G>T, p.Val732Phe (NM_001165964.3, NM_001353957.2, NM_001353958.2); c.2278G>T, p.Val760Phe (NM_001202435.3, NM_001353948.2); c.2245G>T, p.Val749Phe (NM_001353949.2, NM_001353950.2, NM_001353951.2 and 2 more transcripts); c.2242G>T, p.Val748Phe (NM_001353954.2, NM_001353955.2); c.2191G>T, p.Val731Phe (NM_001353960.2); c.-181G>T (NM_001353961.2); short protein forms V749F, V748F, V760F, V731F, V732F.
Identifiers: ClinVar variation 1442876 (VCV001442876.7), dbSNP rs1574203036, ClinGen allele CA349064584.

ClinVar aggregate classification (germline): Uncertain significance (1 of 4 stars; one submission).

Conditions:
Early-infantile DEE. Also called: Early infantile epileptic encephalopathy; Ohtahara syndrome; Early infantile epileptic encephalopathy with suppression bursts. Identifiers: Orphanet 1934, MedGen C0393706, MONDO:0800491.

Submission:

Labcorp Genetics (formerly Invitae), Labcorp
Classification: Uncertain significance for Early-infantile DEE. Last evaluated: 2021-07-31. Review status: criteria provided, single submitter. Criteria: Invitae Variant Classification Sherloc (09022015). Collection method: clinical testing. Allele origin: germline.
Comment: Advanced modeling of protein sequence and biophysical properties (such as structural, functional, and spatial information, amino acid conservation, physicochemical variation, residue mobility, and thermodynamic stability) performed at Invitae indicates that this missense variant is not expected to disrupt SCN1A protein function. In summary, the available evidence is currently insufficient to determine the role of this variant in disease. Therefore, it has been classified as a Variant of Uncertain Significance. This sequence change replaces valine with phenylalanine at codon 760 of the SCN1A protein (p.Val760Phe). The valine residue is moderately conserved and there is a small physicochemical difference between valine and phenylalanine. This variant is not present in population databases (ExAC no frequency). This variant has not been reported in the literature in individuals affected with SCN1A-related conditions.